The following is an entry in ClinVar:

ClinVar aggregate classification (germline): Likely benign. Review status: criteria provided, multiple submitters, no conflicts (2 of 4 stars). 2 submissions from 2 submitters: Likely benign (2). Last evaluated 2025-12-01.

Submissions (2):

CeGaT Center for Human Genetics Tuebingen
Classification: Likely benign. Last evaluated: 2025-12-01. Review status: criteria provided, single submitter. Criteria: CeGaT Center For Human Genetics Tuebingen Variant Classification Criteria Version 2. Collection method: clinical testing. Allele origin: germline. Affected: yes. Observed: 4 variant alleles.
Comment: SRRM2: BP3, BS1

Blueprint Genetics
Classification: Likely benign. Last evaluated: 2024-10-14. Review status: criteria provided, single submitter. Criteria: ACMG Guidelines, 2015. Collection method: clinical testing. Allele origin: germline.

NM_016333.4(SRRM2):c.7638ATC[1] (p.Ser2556del)

Gene: SRRM2 (serine/arginine repetitive matrix 2; plus strand). Cytogenetic location: 16p13.3.
Variant type: Microsatellite.
Coding change: c.7638ATC[1] on transcript NM_016333.4 (MANE Select); one copy of the 3-base unit ATC starting at c.7638; the reference has two copies in a row; one copy, 3 bases deleted.
Protein change: p.Ser2556del; deletes serine 2556.
Molecular consequence: inframe deletion.
Genome position (GRCh38, 1-based): chr16:2,768,169-2,768,171, ATC deleted; deleting any 3 consecutive bases within chr16:2,768,164-2,768,171 gives the same sequence; the position shown is the placement nearest the transcript's 3' end. VCF-style (leftmost placement, unchanged base first): chr16-2768163-TTCA-T. GRCh37 (hg19) VCF-style: chr16-2818164-TTCA-T.
Other names: short protein forms S2556del.
Identifiers: ClinVar variation 3341667 (VCV003341667.17).